The following is an entry in ClinVar:

NM_002971.6(SATB1):c.1827_1830del (p.Pro610fs)

Gene: SATB1 (SATB homeobox 1; minus strand). Cytogenetic location: 3p24.3.
Variant type: Deletion.
Coding change: c.1827_1830del on transcript NM_002971.6 (MANE Select); coding-DNA positions 1827 to 1830, 4 bases deleted (GCCG; older notation c.1827_1830delGCCG).
Protein change: p.Pro610fs; shifts the reading frame from proline 610.
Molecular consequence: frameshift variant.
Genome position (GRCh38, 1-based): chr3:18,349,632-18,349,635, CGGC deleted on the plus strand (GCCG on the coding strand, the reverse complement: SATB1 is on the minus strand). VCF-style (leftmost placement, unchanged base first): chr3-18349631-GCGGC-G. GRCh37 (hg19) VCF-style: chr3-18391123-GCGGC-G.
Other names: c.1827_1830del, p.Pro610fs (NM_001131010.4, NM_001322872.2, NM_001322873.2 and 2 more transcripts); c.1923_1926del, p.Pro642fs (NM_001195470.3, NM_001322871.2); c.1611_1614del, p.Pro538fs (NM_001322876.2); short protein forms P538fs, P610fs, P642fs.
Identifiers: ClinVar variation 4292957 (VCV004292957.1).
Genomic context (GRCh38, chr3:18,349,631, plus strand): 5'-CCGTGGGTTGCCGTGGGGGGAGCCGAGGGCCTGTCTGTGGCTGCTGCTGTGGCTGTGGAG[GCGGC>G]GGTGCCTGCTGCTGCTGCTGCTGCTGTTGCTGTTGCTGCTGCTGTTGCTGCAAAGAAACA-3'

ClinVar aggregate classification (germline): Likely pathogenic (1 of 4 stars; one submission).

Conditions:
Developmental delay with dysmorphic facies and dental anomalies. Identifiers: MedGen C5543197, MONDO:0030988, OMIM 619228.

Submission:

3billion
Classification: Likely pathogenic for Developmental delay with dysmorphic facies and dental anomalies. Last evaluated: 2025-02-17. Review status: criteria provided, single submitter. Criteria: ACMG Guidelines, 2015. Collection method: clinical testing. Allele origin: germline. Affected: yes.
Comment: The variant is not observed in the gnomAD v4.1.0 dataset. Predicted Consequence/Location: Frameshift: predicted to result in a loss or disruption of normal protein function through protein truncation. Multiple pathogenic variants are reported in the predicted truncated region. Therefore, this variant is classified as Likely pathogenic according to the recommendation of ACMG/AMP guideline.